The following is an entry in ClinVar:

NM_004082.5(DCTN1):c.3349G>A (p.Ala1117Thr)

Gene: DCTN1 (dynactin subunit 1; minus strand). Cytogenetic location: 2p13.1.
Variant type: single nucleotide variant.
Coding change: c.3349G>A on transcript NM_004082.5 (MANE Select); coding-DNA position 3349, G replaced by A.
Protein change: p.Ala1117Thr; replaces alanine 1117 with threonine.
Molecular consequence: missense variant. On other transcripts: non-coding transcript variant (1).
Genome position (GRCh38, 1-based): chr2:74,363,174, C>T on the plus strand (G>A on the coding strand, the complement: DCTN1 is on the minus strand). VCF-style: chr2-74363174-C-T. GRCh37 (hg19) VCF-style: chr2-74590301-C-T.
Other names: c.3274G>A, p.Ala1092Thr (NM_001135040.3); c.2932G>A, p.Ala978Thr (NM_001135041.3); c.3223G>A, p.Ala1075Thr (NM_001190836.2); c.3328G>A, p.Ala1110Thr (NM_001190837.2); c.3298G>A, p.Ala1100Thr (NM_001378991.1); c.3280G>A, p.Ala1094Thr (NM_001378992.1); c.2947G>A, p.Ala983Thr (NM_023019.4); short protein forms A1075T, A1092T, A1094T, A1100T, A1110T, A1117T, A978T, A983T.
Identifiers: ClinVar variation 3756964 (VCV003756964.2).

ClinVar aggregate classification (germline): Uncertain significance (1 of 4 stars; one submission).

Conditions:
Amyotrophic lateral sclerosis type 1 (ALS1). Also called: AMYOTROPHIC LATERAL SCLEROSIS 1, FAMILIAL. Identifiers: Orphanet 803, MedGen C1862939, MONDO:0007103, OMIM 105400.
Neuronopathy, distal hereditary motor, type 7B. Also called: HMN VIIB; LOWER MOTOR NEURON DISEASE, DYNACTIN TYPE; NEURONOPATHY, DISTAL HEREDITARY MOTOR, AUTOSOMAL DOMINANT 14; NEURONOPATHY, DISTAL HEREDITARY MOTOR, HARDING TYPE VIIB; NEUROPATHY, DISTAL HEREDITARY MOTOR, HARDING TYPE VIIB; NEUROPATHY, DISTAL HEREDITARY MOTOR, WITH VOCAL CORD PARALYSIS, HARDING TYPE VIIB. Identifiers: Orphanet 139589, MedGen C1843315, MONDO:0011879, OMIM 607641.
Perry syndrome. Also called: PARKINSONISM WITH ALVEOLAR HYPOVENTILATION AND MENTAL DEPRESSION. Identifiers: Orphanet 178509, MedGen C1868594, MONDO:0008201, OMIM 168605.

Submission:

Labcorp Genetics (formerly Invitae), Labcorp
Classification: Uncertain significance for Amyotrophic lateral sclerosis type 1; Neuronopathy, distal hereditary motor, type 7B; Perry syndrome. Last evaluated: 2024-06-24. Review status: criteria provided, single submitter. Criteria: Invitae Variant Classification Sherloc (09022015). Collection method: clinical testing. Allele origin: germline.
Comment: This sequence change replaces alanine, which is neutral and non-polar, with threonine, which is neutral and polar, at codon 1117 of the DCTN1 protein (p.Ala1117Thr). This variant is not present in population databases (gnomAD no frequency). This variant has not been reported in the literature in individuals affected with DCTN1-related conditions. Advanced modeling of protein sequence and biophysical properties (such as structural, functional, and spatial information, amino acid conservation, physicochemical variation, residue mobility, and thermodynamic stability) performed at Invitae indicates that this missense variant is not expected to disrupt DCTN1 protein function with a negative predictive value of 80%. In summary, the available evidence is currently insufficient to determine the role of this variant in disease. Therefore, it has been classified as a Variant of Uncertain Significance.